The following is an entry in ClinVar:

ClinVar aggregate classification (germline): Uncertain significance. Review status: criteria provided, multiple submitters, no conflicts (2 of 4 stars). 2 submissions from 2 submitters: Uncertain significance (2). Last evaluated 2025-07-03.

Allele frequency attached by ClinVar (database versions not stated): ExAC 0.00001; gnomAD 0.00001; gnomAD exomes 0.00001; TOPMed 0.00002.
gnomAD v4.1: 24 of 1,601,892 alleles (0.0015%); highest among the groups gnomAD compares: Middle Eastern, 0.017%; no homozygotes.

Submissions (2):

Labcorp Genetics (formerly Invitae), Labcorp
Classification: Uncertain significance. Last evaluated: 2025-07-03. Review status: criteria provided, single submitter. Criteria: Invitae Variant Classification Sherloc (09022015). Collection method: clinical testing. Allele origin: germline.
Comment: This sequence change replaces alanine, which is neutral and non-polar, with threonine, which is neutral and polar, at codon 605 of the DCHS1 protein (p.Ala605Thr). This variant is present in population databases (rs765079321, gnomAD 0.007%). This missense change has been observed in individual(s) with DCHS1-related condition (PMID: 38374194). ClinVar contains an entry for this variant (Variation ID: 2182312). Invitae Evidence Modeling of protein sequence and biophysical properties (such as structural, functional, and spatial information, amino acid conservation, physicochemical variation, residue mobility, and thermodynamic stability) indicates that this missense variant is not expected to disrupt DCHS1 protein function with a negative predictive value of 80%. In summary, the available evidence is currently insufficient to determine the role of this variant in disease. Therefore, it has been classified as a Variant of Uncertain Significance.

GeneDx
Classification: Uncertain significance. Last evaluated: 2024-02-09. Review status: criteria provided, single submitter. Criteria: GeneDx Variant Classification Process June 2021. Collection method: clinical testing. Allele origin: germline. Affected: yes.
Comment: In silico analysis supports that this missense variant does not alter protein structure/function; Has not been previously published as pathogenic or benign to our knowledge

Literature cited by the submitters: PubMed 38374194 (cited by Labcorp Genetics (formerly Invitae), Labcorp).

NM_003737.4(DCHS1):c.1813G>A (p.Ala605Thr)

Gene: DCHS1 (dachsous cadherin-related 1; minus strand). Cytogenetic location: 11p15.4.
Variant type: single nucleotide variant.
Coding change: c.1813G>A on transcript NM_003737.4 (MANE Select); coding-DNA position 1813, G replaced by A.
Protein change: p.Ala605Thr; replaces alanine 605 with threonine.
Molecular consequence: missense variant.
Genome position (GRCh38, 1-based): chr11:6,634,291, C>T on the plus strand (G>A on the coding strand, the complement: DCHS1 is on the minus strand). VCF-style: chr11-6634291-C-T. GRCh37 (hg19) VCF-style: chr11-6655522-C-T.
Other names: c.1813G>A (NM_003737.3); short protein forms A605T.
Identifiers: ClinVar variation 2182312 (VCV002182312.5), dbSNP rs765079321, ClinGen allele CA5860878.